The following is an entry in ClinVar:

ClinVar aggregate classification (germline): Likely pathogenic (1 of 4 stars; one submission).

Conditions:
RARS1-related disorder. Also called: RARS1-related condition.

Submission:

PreventionGenetics, part of Exact Sciences
Classification: Likely pathogenic for RARS1-related condition. Last evaluated: 2023-06-19. Review status: criteria provided, single submitter. Criteria: ACMG Guidelines, 2015. Collection method: clinical testing. Allele origin: germline.
Comment: The RARS1 c.1795delG variant is predicted to result in a frameshift and premature protein termination (p.Asp599Ilefs*30). To our knowledge, this variant has not been reported in the literature or in a large population database, indicating this variant is rare. Frameshift variants in RARS1 are expected to be pathogenic. This variant is interpreted as likely pathogenic.

NM_002887.4(RARS1):c.1795del (p.Asp599fs)

Gene: RARS1 (arginyl-tRNA synthetase 1; plus strand). Cytogenetic location: 5q34.
Variant type: Deletion.
Coding change: c.1795del on transcript NM_002887.4 (MANE Select); coding-DNA position 1795, one base deleted (G; older notation c.1795delG).
Protein change: p.Asp599fs; shifts the reading frame from aspartic acid 599.
Molecular consequence: frameshift variant.
Genome position (GRCh38, 1-based): chr5:168,517,984, G deleted. VCF-style (leftmost placement, unchanged base first): chr5-168517983-TG-T. GRCh37 (hg19) VCF-style: chr5-167944988-TG-T.
Other names: short protein forms D599fs.
Identifiers: ClinVar variation 2632633 (VCV002632633.1), dbSNP rs1758706556, ClinGen allele CA1599469576.